The following is an entry in ClinVar:

ClinVar aggregate classification (germline): Uncertain significance. Review status: criteria provided, multiple submitters, no conflicts (2 of 4 stars). 2 submissions from 2 submitters: Uncertain significance (2). Last evaluated 2024-05-11.

Conditions:
Hypertrophic cardiomyopathy. Also called: HYPERTROPHIC MYOCARDIOPATHY. Identifiers: Orphanet 217569, MedGen C0007194, MeSH D002312, MONDO:0005045, HP:0001639.

Submissions (2):

Labcorp Genetics (formerly Invitae), Labcorp
Classification: Uncertain significance for Hypertrophic cardiomyopathy. Last evaluated: 2024-05-11. Review status: criteria provided, single submitter. Criteria: Invitae Variant Classification Sherloc (09022015). Collection method: clinical testing. Allele origin: germline.
Comment: This sequence change replaces alanine, which is neutral and non-polar, with valine, which is neutral and non-polar, at codon 161 of the MYH7 protein (p.Ala161Val). This variant is not present in population databases (gnomAD no frequency). This variant has not been reported in the literature in individuals affected with MYH7-related conditions. ClinVar contains an entry for this variant (Variation ID: 444324). Advanced modeling of protein sequence and biophysical properties (such as structural, functional, and spatial information, amino acid conservation, physicochemical variation, residue mobility, and thermodynamic stability) performed at Invitae indicates that this missense variant is expected to disrupt MYH7 protein function with a positive predictive value of 95%. In summary, the available evidence is currently insufficient to determine the role of this variant in disease. Therefore, it has been classified as a Variant of Uncertain Significance.

CeGaT Center for Human Genetics Tuebingen
Classification: Uncertain significance. Last evaluated: 2017-04-30. Review status: criteria provided, single submitter. Criteria: Praxis fuer Humangenetik Tuebingen - Variant Classification Criteria. Collection method: clinical testing. Allele origin: germline. Affected: yes. Observed: 2 variant alleles.

NM_000257.4(MYH7):c.482C>T (p.Ala161Val)

Gene: MYH7 (myosin heavy chain 7; minus strand). Cytogenetic location: 14q11.2.
Variant type: single nucleotide variant.
Coding change: c.482C>T on transcript NM_000257.4 (MANE Select); coding-DNA position 482, C replaced by T.
Protein change: p.Ala161Val; replaces alanine 161 with valine.
Molecular consequence: missense variant.
Genome position (GRCh38, 1-based): chr14:23,432,659, G>A on the plus strand (C>T on the coding strand, the complement: MYH7 is on the minus strand). VCF-style: chr14-23432659-G-A. GRCh37 (hg19) VCF-style: chr14-23901868-G-A.
Other names: short protein forms A161V.
Identifiers: ClinVar variation 444324 (VCV000444324.5), dbSNP rs1555338763, ClinGen allele CA389052726.